The following is an entry in ClinVar:

ClinVar aggregate classification (germline): Uncertain significance (1 of 4 stars; one submission).

Conditions:
Leukodystrophy, hypomyelinating, 6. Also called: Hypomyelination with Atrophy of Basal Ganglia and Cerebellum (H-ABC); LEUKODYSTROPHY, HYPOMYELINATING, WITH ATROPHY OF THE BASAL GANGLIA AND CEREBELLUM; TUBB4A-Associated Leukodystrophy. Identifiers: Orphanet 139441, MedGen C2676244, MONDO:0012905, OMIM 612438.

Allele frequency attached by ClinVar (database versions not stated): gnomAD exomes 0.00001.

Submission:

Labcorp Genetics (formerly Invitae), Labcorp
Classification: Uncertain significance for Leukodystrophy, hypomyelinating, 6. Last evaluated: 2022-05-27. Review status: criteria provided, single submitter. Criteria: Invitae Variant Classification Sherloc (09022015). Collection method: clinical testing. Allele origin: germline.
Comment: This variant has not been reported in the literature in individuals affected with TUBB4A-related conditions. In summary, the available evidence is currently insufficient to determine the role of this variant in disease. Therefore, it has been classified as a Variant of Uncertain Significance. Algorithms developed to predict the effect of missense changes on protein structure and function are either unavailable or do not agree on the potential impact of this missense change (SIFT: "Deleterious"; PolyPhen-2: "Benign"; Align-GVGD: "Class C55"). This variant is not present in population databases (gnomAD no frequency). This sequence change replaces glutamic acid, which is acidic and polar, with lysine, which is basic and polar, at codon 53 of the TUBB4A protein (p.Glu53Lys).

NM_006087.4(TUBB4A):c.157G>A (p.Glu53Lys)

Gene: TUBB4A (tubulin beta 4A class IVa; minus strand). Cytogenetic location: 19p13.3.
Variant type: single nucleotide variant.
Coding change: c.157G>A on transcript NM_006087.4 (MANE Select); coding-DNA position 157, G replaced by A.
Protein change: p.Glu53Lys; replaces glutamic acid 53 with lysine.
Molecular consequence: missense variant. On other transcripts: 5 prime UTR variant (2).
Genome position (GRCh38, 1-based): chr19:6,501,524, C>T on the plus strand (G>A on the coding strand, the complement: TUBB4A is on the minus strand). VCF-style: chr19-6501524-C-T. GRCh37 (hg19) VCF-style: chr19-6501535-C-T.
Other names: c.310G>A, p.Glu104Lys (NM_001289123.2); c.292G>A, p.Glu98Lys (NM_001289127.2); c.157G>A, p.Glu53Lys (NM_001289129.2); c.-60G>A (NM_001289130.2, NM_001289131.2); short protein forms E104K, E98K, E53K.
Identifiers: ClinVar variation 2194271 (VCV002194271.4), dbSNP rs1014141628, ClinGen allele CA304779485.
Genomic context (GRCh38, chr19:6,501,524, plus strand): 5'-GTTCCCTCCCAGCTGCCCCTTCCCACCTGGAAGGTGCCTCCTTCGCCCTACCTGTGGCCT[C>T]GTTGTAGTACACGTTGATCCTCTCCAGTTGCAGGTCACTGTCCCCATGGTATGTGCCTGT-3'
Protein context (NP_006078.2, residues 43-63): QLERINVYYN[Glu53Lys]ATGGNYVPRA